The following is an entry in ClinVar:

NM_000540.3(RYR1):c.3562C>A (p.Leu1188Met)

Gene: RYR1 (ryanodine receptor 1; plus strand). Cytogenetic location: 19q13.2.
Variant type: single nucleotide variant.
Coding change: c.3562C>A on transcript NM_000540.3 (MANE Select); coding-DNA position 3562, C replaced by A.
Protein change: p.Leu1188Met; replaces leucine 1188 with methionine.
Molecular consequence: missense variant.
Genome position (GRCh38, 1-based): chr19:38,469,310, C>A. VCF-style: chr19-38469310-C-A. GRCh37 (hg19) VCF-style: chr19-38959950-C-A.
Other names: c.3562C>A, p.Leu1188Met (NM_001042723.2); short protein forms L1188M.
Identifiers: ClinVar variation 2428854 (VCV002428854.3), dbSNP rs868455902, ClinGen allele CA405638977.

ClinVar aggregate classification (germline): Uncertain significance (1 of 4 stars; one submission).

Allele frequency attached by ClinVar (database versions not stated): TOPMed below 0.00001; gnomAD 0.00001.
gnomAD v4.1: 1 of 1,613,784 alleles (0.000062%); highest among the groups gnomAD compares: African/African-American, 0.0013%; no homozygotes.

Submission:

GeneDx
Classification: Uncertain significance. Last evaluated: 2022-08-02. Review status: criteria provided, single submitter. Criteria: GeneDx Variant Classification Process June 2021. Collection method: clinical testing. Allele origin: germline. Affected: yes.
Comment: Not observed at significant frequency in large population cohorts (gnomAD); In silico analysis supports that this missense variant does not alter protein structure/function; Has not been previously published as pathogenic or benign to our knowledge